The following is an entry in ClinVar:

ClinVar aggregate classification (germline): Likely benign (0 of 4 stars; one submission).

Conditions:
DNAH6-related disorder. Also called: DNAH6-related condition.

Allele frequency attached by ClinVar (database versions not stated): gnomAD exomes below 0.00001.
gnomAD v4.1: 1 of 1,551,596 alleles (0.000064%); highest among the groups gnomAD compares: Non-Finnish European, 0.000087%; no homozygotes.

Submission:

PreventionGenetics, part of Exact Sciences
Classification: Likely benign for DNAH6-related condition. Last evaluated: 2019-06-18. Review status: no assertion criteria provided. Collection method: clinical testing. Allele origin: germline.
Comment: This variant is classified as likely benign based on ACMG/AMP sequence variant interpretation guidelines (Richards et al. 2015 PMID: 25741868, with internal and published modifications).

NM_001370.2(DNAH6):c.3144G>A (p.Val1048=)

Gene: DNAH6 (dynein axonemal heavy chain 6; plus strand). Cytogenetic location: 2p11.2.
Variant type: single nucleotide variant.
Coding change: c.3144G>A on transcript NM_001370.2 (MANE Select); coding-DNA position 3144, G replaced by A.
Protein change: p.Val1048=; no amino-acid change (valine 1048 retained).
Molecular consequence: synonymous variant.
Genome position (GRCh38, 1-based): chr2:84,605,562, G>A. VCF-style: chr2-84605562-G-A. GRCh37 (hg19) VCF-style: chr2-84832686-G-A.
Identifiers: ClinVar variation 3033941 (VCV003033941.2), dbSNP rs2469484309, ClinGen allele CA427055210.